The following is an entry in ClinVar:

NM_004456.5(EZH2):c.729-12G>A

Gene: EZH2 (enhancer of zeste 2 polycomb repressive complex 2 subunit; minus strand). Cytogenetic location: 7q36.1.
Variant type: single nucleotide variant.
Coding change: c.729-12G>A on transcript NM_004456.5 (MANE Select); 12 bases into the intron before coding-DNA position 729, G replaced by A.
Molecular consequence: intron variant.
Genome position (GRCh38, 1-based): chr7:148,826,644, C>T on the plus strand (G>A on the coding strand, the complement: EZH2 is on the minus strand). VCF-style: chr7-148826644-C-T. GRCh37 (hg19) VCF-style: chr7-148523736-C-T.
Other names: c.702-12G>A (NM_001203248.2, NM_001203249.2); c.612-12G>A (NM_152998.3); c.729-12G>A (NM_001203247.2).
Identifiers: ClinVar variation 2027915 (VCV002027915.4), dbSNP rs2537042871, ClinGen allele CA2580077670.

ClinVar aggregate classification (germline): Uncertain significance (1 of 4 stars; one submission).

Conditions:
Weaver syndrome (WVS). Also called: Weaver Smith syndrome; Overgrowth syndrome with accelerated skeletal maturation, unusual facies, and camptodactyly. Identifiers: Orphanet 3447, MedGen C0265210, MONDO:0010193, OMIM 277590.

Submission:

Labcorp Genetics (formerly Invitae), Labcorp
Classification: Uncertain significance for Weaver syndrome. Last evaluated: 2022-09-17. Review status: criteria provided, single submitter. Criteria: Invitae Variant Classification Sherloc (09022015). Collection method: clinical testing. Allele origin: germline.
Comment: In summary, the available evidence is currently insufficient to determine the role of this variant in disease. Therefore, it has been classified as a Variant of Uncertain Significance. Algorithms developed to predict the effect of sequence changes on RNA splicing suggest that this variant may disrupt the consensus splice site. This variant has not been reported in the literature in individuals affected with EZH2-related conditions. This variant is not present in population databases (gnomAD no frequency). This sequence change falls in intron 7 of the EZH2 gene. It does not directly change the encoded amino acid sequence of the EZH2 protein.